The following is an entry in ClinVar:

NM_004612.4(TGFBR1):c.1129A>G (p.Arg377Gly)

Gene: TGFBR1 (transforming growth factor beta receptor 1; plus strand). Cytogenetic location: 9q22.33.
Variant type: single nucleotide variant.
Coding change: c.1129A>G on transcript NM_004612.4 (MANE Select); coding-DNA position 1129, A replaced by G.
Protein change: p.Arg377Gly; replaces arginine 377 with glycine.
Molecular consequence: missense variant.
Genome position (GRCh38, 1-based): chr9:99,144,887, A>G. VCF-style: chr9-99144887-A-G. GRCh37 (hg19) VCF-style: chr9-101907169-A-G.
Other names: c.898A>G, p.Arg300Gly (NM_001130916.3); c.1141A>G, p.Arg381Gly (NM_001306210.2); short protein forms R300G, R377G, R381G.
Identifiers: ClinVar variation 1311309 (VCV001311309.2), dbSNP rs2118807523, ClinGen allele CA374231807.

ClinVar aggregate classification (germline): Uncertain significance (1 of 4 stars; one submission).

Submission:

GeneDx
Classification: Uncertain significance. Last evaluated: 2019-12-24. Review status: criteria provided, single submitter. Criteria: GeneDx Variant Classification Process June 2021. Collection method: clinical testing. Allele origin: germline. Affected: yes.
Comment: Has not been previously published as pathogenic or benign to our knowledge; Not observed in large population cohorts (Lek et al., 2016); In silico analysis, which includes protein predictors and evolutionary conservation, supports a deleterious effect at the protein level; In addition, in silico splice prediction programs predict this variant results in damage to the splice donor site in intron 6; however, in the absence of functional mRNA studies, the physiological consequence of this variant cannot be precisely determined